The following is an entry in ClinVar:

ClinVar aggregate classification (germline): Conflicting classifications of pathogenicity. Review status: criteria provided, conflicting classifications (1 of 4 stars). 4 submissions from 4 submitters: Uncertain significance (3); Likely benign (1). Last evaluated 2026-02-10.

Conditions:
Progressive sclerosing poliodystrophy (MTDPS4A). Also called: Mitochondrial DNA Depletion Syndrome 4A; ALPERS DIFFUSE DEGENERATION OF CEREBRAL GRAY MATTER WITH HEPATIC CIRRHOSIS; Alpers-Huttenlocher Syndrome; NEURONAL DEGENERATION OF CHILDHOOD WITH LIVER DISEASE, PROGRESSIVE; Alpers-Huttenlocher Syndrome (AHS); Mitochondrial DNA depletion syndrome 4A (Alpers type). Identifiers: Orphanet 726, MedGen C0205710, MONDO:0008758, OMIM 203700.
Inborn genetic diseases. Identifiers: MedGen C0950123, MeSH D030342.

Allele frequency attached by ClinVar (database versions not stated): gnomAD exomes below 0.00001.

Submissions (4):

GeneDx
Classification: Uncertain significance. Last evaluated: 2026-02-10. Review status: criteria provided, single submitter. Criteria: GeneDx Variant Classification Process June 2021. Collection method: clinical testing. Allele origin: germline.
Comment: Not observed at significant frequency in large population cohorts (gnomAD); In silico analysis suggests that this missense variant does not alter protein structure/function; Has not been previously published as pathogenic or benign to our knowledge

Labcorp Genetics (formerly Invitae), Labcorp
Classification: Uncertain significance for Progressive sclerosing poliodystrophy. Last evaluated: 2025-11-18. Review status: criteria provided, single submitter. Criteria: Invitae Variant Classification Sherloc (09022015). Collection method: clinical testing. Allele origin: germline.
Comment: This sequence change replaces glutamine, which is neutral and polar, with arginine, which is basic and polar, at codon 328 of the POLG protein (p.Gln328Arg). This variant is not present in population databases (gnomAD no frequency). This variant has not been reported in the literature in individuals affected with POLG-related conditions. ClinVar contains an entry for this variant (Variation ID: 287040). Invitae Evidence Modeling of protein sequence and biophysical properties (such as structural, functional, and spatial information, amino acid conservation, physicochemical variation, residue mobility, and thermodynamic stability) indicates that this missense variant is not expected to disrupt POLG protein function with a negative predictive value of 95%. In summary, the available evidence is currently insufficient to determine the role of this variant in disease. Therefore, it has been classified as a Variant of Uncertain Significance.

Ambry Genetics
Classification: Likely benign for Inborn genetic diseases. Last evaluated: 2025-09-24. Review status: criteria provided, single submitter. Criteria: Ambry Variant Classification Scheme 2023. Collection method: clinical testing. Allele origin: germline.

Eurofins Ntd Llc (ga)
Classification: Uncertain significance. Last evaluated: 2016-04-18. Review status: criteria provided, single submitter. Criteria: EGL Classification Definitions 2015. Collection method: clinical testing. Allele origin: germline. Observed: 2 variant alleles, 2 heterozygotes.

NM_002693.3(POLG):c.983A>G (p.Gln328Arg)

Gene: POLG (DNA polymerase gamma, catalytic subunit; minus strand). Cytogenetic location: 15q26.1.
Variant type: single nucleotide variant.
Coding change: c.983A>G on transcript NM_002693.3 (MANE Select); coding-DNA position 983, A replaced by G.
Protein change: p.Gln328Arg; replaces glutamine 328 with arginine.
Molecular consequence: missense variant.
Genome position (GRCh38, 1-based): chr15:89,328,983, T>C on the plus strand (A>G on the coding strand, the complement: POLG is on the minus strand). VCF-style: chr15-89328983-T-C. GRCh37 (hg19) VCF-style: chr15-89872214-T-C.
Other names: c.983A>G (NM_002693.2); c.983A>G, p.Gln328Arg (NM_001126131.2); short protein forms Q328R.
Identifiers: ClinVar variation 287040 (VCV000287040.12), dbSNP rs886043556, ClinGen allele CA10605655.